The following is an entry in ClinVar:

NM_000059.4(BRCA2):c.8246A>G (p.Gln2749Arg)

Gene: BRCA2 (BRCA2 DNA repair associated; plus strand). Cytogenetic location: 13q13.1.
Variant type: single nucleotide variant.
Coding change: c.8246A>G on transcript NM_000059.4 (MANE Select); coding-DNA position 8246, A replaced by G.
Protein change: p.Gln2749Arg; replaces glutamine 2749 with arginine.
Molecular consequence: missense variant.
Genome position (GRCh38, 1-based): chr13:32,363,448, A>G. VCF-style: chr13-32363448-A-G. GRCh37 (hg19) VCF-style: chr13-32937585-A-G.
Other names: c.8246A>G (NM_000059.3); short protein forms Q2749R.
Identifiers: ClinVar variation 1390250 (VCV001390250.7), dbSNP rs2137582219, ClinGen allele CA387749922.

ClinVar aggregate classification (germline): Uncertain significance. Review status: criteria provided, multiple submitters, no conflicts (2 of 4 stars). 2 submissions from 2 submitters: Uncertain significance (2). Last evaluated 2025-09-16.

Conditions:
Hereditary breast ovarian cancer syndrome. Also called: Hereditary breast and ovarian cancer syndrome; Hereditary breast and ovarian cancer; BRCA1- and BRCA2-Associated Hereditary Breast and Ovarian Cancer; Hereditary breast and/or ovarian cancer syndrome; Hereditary breast and ovarian cancer syndrome (HBOC); Breast and ovarian cancer. Identifiers: Orphanet 145, MedGen C0677776, MeSH D061325, MONDO:0003582. Disease mechanism: loss of function.

Submissions (2):

Quest Diagnostics Nichols Institute San Juan Capistrano
Classification: Uncertain significance. Last evaluated: 2025-09-16. Review status: criteria provided, single submitter. Criteria: Quest Diagnostics criteria. Collection method: clinical testing. Allele origin: unknown.
Comment: The BRCA2 c.8246A>G (p.Gln2749Arg) variant has not been reported in individuals with BRCA2-related conditions in the published literature. This variant has not been reported in large, multi-ethnic general populations (Genome Aggregation Database). Analysis of this variant using bioinformatics tools for the prediction of the effect of amino acid changes on protein structure and function yielded conflicting predictions that this variant is benign or damaging. Based on the available information, we are unable to determine the clinical significance of this variant.

Labcorp Genetics (formerly Invitae), Labcorp
Classification: Uncertain significance for Hereditary breast ovarian cancer syndrome. Last evaluated: 2021-10-18. Review status: criteria provided, single submitter. Criteria: Invitae Variant Classification Sherloc (09022015). Collection method: clinical testing. Allele origin: germline.
Comment: This variant is not present in population databases (ExAC no frequency). This sequence change replaces glutamine with arginine at codon 2749 of the BRCA2 protein (p.Gln2749Arg). The glutamine residue is moderately conserved and there is a small physicochemical difference between glutamine and arginine. This variant has not been reported in the literature in individuals affected with BRCA2-related conditions. In summary, the available evidence is currently insufficient to determine the role of this variant in disease. Therefore, it has been classified as a Variant of Uncertain Significance. Advanced modeling of protein sequence and biophysical properties (such as structural, functional, and spatial information, amino acid conservation, physicochemical variation, residue mobility, and thermodynamic stability) performed at Invitae indicates that this missense variant is not expected to disrupt BRCA2 protein function.